The following is an entry in ClinVar:

NM_019088.4(PAF1):c.322T>C (p.Leu108=)

Genes: PAF1 (PAF1 component of Paf1/RNA polymerase II complex; minus strand), SAMD4B (sterile alpha motif domain containing 4B; plus strand). Cytogenetic location: 19q13.2.
Variant type: single nucleotide variant.
Coding change: c.322T>C on transcript NM_019088.4 (MANE Select); coding-DNA position 322, T replaced by C.
Protein change: p.Leu108=; no amino-acid change (leucine 108 retained).
Molecular consequence: synonymous variant. On other transcripts: non-coding transcript variant (1).
Genome position (GRCh38, 1-based): chr19:39,389,517, A>G on the plus strand (T>C on the coding strand, the complement: PAF1 is on the minus strand). VCF-style: chr19-39389517-A-G. GRCh37 (hg19) VCF-style: chr19-39880157-A-G.
Other names: c.292T>C, p.Leu98= (NM_001256826.2).
Identifiers: ClinVar variation 2649831 (VCV002649831.24), dbSNP rs149745358, ClinGen allele CA9428245.

ClinVar aggregate classification (germline): Likely benign (1 of 4 stars; one submission).

Allele frequency attached by ClinVar (database versions not stated): 1000 Genomes Project 0.00020; 1000 Genomes Project 30x 0.00031; TOPMed 0.00175; ESP Exome Variant Server 0.00177; ExAC 0.00325; gnomAD exomes 0.00359; gnomAD 0.00425.
gnomAD v4.1: 5,786 of 1,614,136 alleles (0.36%); highest among the groups gnomAD compares: Non-Finnish European, 0.33%; 40 homozygotes.

Submission:

CeGaT Center for Human Genetics Tuebingen
Classification: Likely benign. Last evaluated: 2022-11-01. Review status: criteria provided, single submitter. Criteria: CeGaT Center For Human Genetics Tuebingen Variant Classification Criteria Version 2. Collection method: clinical testing. Allele origin: germline. Affected: yes. Observed: 1 variant allele.
Comment: PAF1: BP4, BP7